The following is an entry in ClinVar:

NM_007294.4(BRCA1):c.4024T>A (p.Ser1342Thr)

Genes: BRCA1 (BRCA1 DNA repair associated; minus strand), LOC126862571 (BRD4-independent group 4 enhancer GRCh37_chr17:41243136-41244335; plus strand). Cytogenetic location: 17q21.31.
Variant type: single nucleotide variant.
Coding change: c.4024T>A on transcript NM_007294.4 (MANE Select); coding-DNA position 4024, T replaced by A.
Protein change: p.Ser1342Thr; replaces serine 1342 with threonine.
Molecular consequence: missense variant. On other transcripts: intron variant (135).
Genome position (GRCh38, 1-based): chr17:43,091,507, A>T on the plus strand (T>A on the coding strand, the complement: BRCA1 is on the minus strand). VCF-style: chr17-43091507-A-T. GRCh37 (hg19) VCF-style: chr17-41243524-A-T.
Other names: c.4024T>A, p.Ser1342Thr (NM_001407858.1, NM_001407859.1, NM_001407581.1 and 30 more transcripts); c.4021T>A, p.Ser1341Thr (NM_001407860.1, NM_001407861.1, NM_001407587.1 and 22 more transcripts); c.3823T>A, p.Ser1275Thr (NM_001407862.1); c.3901T>A, p.Ser1301Thr (NM_001407863.1, NM_001407919.1, NM_001407648.1 and 19 more transcripts); c.3820T>A, p.Ser1274Thr (NM_001407874.1, NM_001407875.1); c.3814T>A, p.Ser1272Thr (NM_001407879.1, NM_001407881.1, NM_001407882.1 and 13 more transcripts); c.3811T>A, p.Ser1271Thr (NM_001407894.1, NM_001407895.1, NM_001407896.1 and 9 more transcripts); c.3760T>A, p.Ser1254Thr (NM_001407920.1, NM_001407921.1, NM_001407922.1 and 9 more transcripts); and 41 more; short protein forms S1342T, S1295T, S1231T, S1254T, S1271T, S1274T, S1300T, S1315T.
Identifiers: ClinVar variation 1466282 (VCV001466282.9), dbSNP rs2154268924, ClinGen allele CA10593912.

ClinVar aggregate classification (germline): Conflicting classifications of pathogenicity. Review status: criteria provided, conflicting classifications (1 of 4 stars). 2 submissions from 2 submitters: Uncertain significance (1); Likely benign (1). Last evaluated 2023-03-23.

Conditions:
Hereditary cancer-predisposing syndrome. Also called: Tumor predisposition; Hereditary Cancer Syndrome; Hereditary neoplastic syndrome; Neoplastic Syndromes, Hereditary. Identifiers: Orphanet 140162, MedGen C0027672, MeSH D009386, MONDO:0015356.
Hereditary breast ovarian cancer syndrome. Also called: BRCA1- and BRCA2-Associated Hereditary Breast and Ovarian Cancer; Hereditary breast and ovarian cancer; Hereditary breast and ovarian cancer syndrome; Hereditary breast and ovarian cancer syndrome (HBOC); Breast and ovarian cancer; Hereditary breast and/or ovarian cancer syndrome. Identifiers: Orphanet 145, MedGen C0677776, MeSH D061325, MONDO:0003582. Disease mechanism: loss of function.

Submissions (2):

University of Washington Department of Laboratory Medicine, University of Washington
Classification: Likely benign for Hereditary cancer-predisposing syndrome. Last evaluated: 2023-03-23. Review status: criteria provided, single submitter. Criteria: Dines et al. (Genet Med. 2020). Collection method: curation. Allele origin: germline.
Comment: Missense variant in a coldspot region where missense variants are very unlikely to be pathogenic (PMID:31911673).

BRCA1 coldspot (exon 11 using historical exon numbering). Reclassification based on statistical prior probability

Labcorp Genetics (formerly Invitae), Labcorp
Classification: Uncertain significance for Hereditary breast ovarian cancer syndrome. Last evaluated: 2021-10-21. Review status: criteria provided, single submitter. Criteria: Invitae Variant Classification Sherloc (09022015). Collection method: clinical testing. Allele origin: germline.
Comment: Advanced modeling of protein sequence and biophysical properties (such as structural, functional, and spatial information, amino acid conservation, physicochemical variation, residue mobility, and thermodynamic stability) performed at Invitae indicates that this missense variant is not expected to disrupt BRCA1 protein function. This sequence change replaces serine with threonine at codon 1342 of the BRCA1 protein (p.Ser1342Thr). The serine residue is highly conserved and there is a small physicochemical difference between serine and threonine. This variant is not present in population databases (ExAC no frequency). This variant has not been reported in the literature in individuals affected with BRCA1-related conditions. In summary, the available evidence is currently insufficient to determine the role of this variant in disease. Therefore, it has been classified as a Variant of Uncertain Significance.